The following is an entry in ClinVar:

ClinVar aggregate classification (germline): Pathogenic/Likely pathogenic. Review status: criteria provided, multiple submitters, no conflicts (2 of 4 stars). 17 submissions from 17 submitters: Pathogenic (11); Likely pathogenic (4). 2 of the submissions do not count toward it. Last evaluated 2026-07-10.

Conditions:
ZNF292-related disorder. Also called: ZNF292-related condition.
Intellectual developmental disorder, autosomal dominant 64. Also called: MENTAL RETARDATION, AUTOSOMAL DOMINANT 64. Identifiers: MedGen C5543067, MONDO:0030934, OMIM 619188.
Inborn genetic diseases. Identifiers: MedGen C0950123, MeSH D030342.
Neurodevelopmental disorder. Identifiers: MedGen C1535926, MeSH D065886, MONDO:0700092.
Intellectual disability. Also called: Intellectual functioning disability; Intellectual developmental disorder; intellectual disabilities. Identifiers: MedGen C3714756, MeSH D008607, MONDO:0001071, HP:0001249.

Submissions (17):

PreventionGenetics, part of Exact Sciences
Classification: Pathogenic for ZNF292-related condition. Last evaluated: 2026-07-10. Review status: criteria provided, single submitter. Criteria: ACMG Guidelines, 2015. Collection method: clinical testing. Allele origin: germline.
Comment: The ZNF292 c.6160_6161delGA variant is predicted to result in a frameshift and premature protein termination (p.Glu2054Lysfs*14). This variant, which is located in the last exon of this gene, was reported as a recurrent de novo event in individuals with neurodevelopmental disorder (Mirzaa et al. 2020. PubMed ID: 31723249, supplementary data; Wang et al. 2020. PubMed ID: 33004838, supplementary data 3; Bertoli-Avella et al, 2021. PubMed ID: 33875846, supplementary data). This variant has not been reported in a large population database, indicating this variant is rare. Frameshift variants in ZNF292 are expected to be pathogenic. In ClinVar, this variant has been reported as 'pathogenic' or 'likely pathogenic' by outside laboratories. This variant is interpreted as pathogenic.

Service of Pediatric Gastrohepatology and Metabolic Diseases, University of Medicine of Tirana
Classification: Pathogenic for Intellectual developmental disorder, autosomal dominant 64. Last evaluated: 2026-04-29. Review status: criteria provided, single submitter. Criteria: ACMG Guidelines, 2015. Collection method: clinical testing. Allele origin: germline. Inheritance: Autosomal dominant inheritance. Affected: yes. Observed: 1 variant allele.
Comment: ZNF292 c.6160_6161del was classified as Pathogenic using ACMG/AMP 2015 criteria (PMID:25741868). The indel is predicted to produce loss of function in ZNF292, supporting PVS1, with PM2 for rarity/absence in population databases when reviewed and PP4 for phenotype consistency with ZNF292-related intellectual developmental disorder (OMIM:619188).

Clinical Genomics Laboratory, Washington University in St. Louis
Classification: Pathogenic for Intellectual developmental disorder, autosomal dominant 64. Last evaluated: 2026-04-15. Review status: criteria provided, single submitter. Criteria: ACMG Guidelines, 2015. Collection method: clinical testing. Allele origin: germline. Affected: yes.
Comment: The ZNF292 c.6160_6161del (p.Glu2054Lysfs*14) variant has been reported as occurring de novo in six individuals affected with intellectual developmental disorder 64 (Brea-Fernández AJ et al., PMID: 35322241; Mirzaa G et al., PMID: 31723249; Ormieres C et al., PMID: 39948625). This variant causes a frameshift by deleting two nucleotides, leading to a premature termination codon. However, because this occurs in the last exon, this is not predicted to lead to nonsense mediated decay but rather to the generation of a truncated protein product. This variant is only observed in 2/1,453,422 alleles in the general population (gnomAD v4.1.0), indicating it is not a common variant. Based on available information and the ACMG/AMP guidelines for variant interpretation (Richards S et al., PMID: 25741868), this variant is classified as pathogenic.

3billion
Classification: Likely pathogenic for Intellectual developmental disorder, autosomal dominant 64. Last evaluated: 2026-01-22. Review status: criteria provided, single submitter. Criteria: ACMG Guidelines, 2015. Collection method: clinical testing. Allele origin: germline. Affected: yes.
Comment: The variant is observed at an extremely low frequency in the gnomAD v4.1.0 dataset (total allele frequency: <0.001%). Predicted Consequence/Location: Frameshift: predicted to result in a loss or disruption of normal protein function through protein truncation. The predicted truncated protein may be shortened by more than 10%. The variant has been previously reported as de novo in a similarly affected individual (PMID: 31723249). The variant has been observed in at least two similarly affected unrelated individuals (PMID: 31723249). The variant has been reported at least twice as pathogenic with clinical assertions and evidence for the classification (ClinVar ID: VCV000981392 /PMID: 31723249). Therefore, this variant is classified as Likely pathogenic according to the recommendation of ACMG/AMP guideline.

Institute of Human Genetics, University of Leipzig Medical Center
Classification: Pathogenic for Intellectual developmental disorder, autosomal dominant 64. Last evaluated: 2024-07-22. Review status: criteria provided, single submitter. Criteria: ACMG Guidelines, 2015. Collection method: clinical testing. Allele origin: unknown. Inheritance: Autosomal dominant inheritance. Affected: yes.
Comment: Criteria applied: PS2_VSTR,PVS1_STR,PS4_MOD,PM2_SUP

Ambry Genetics
Classification: Pathogenic for Inborn genetic diseases. Last evaluated: 2023-08-22. Review status: criteria provided, single submitter. Criteria: Ambry Variant Classification Scheme 2023. Collection method: clinical testing. Allele origin: germline.
Comment: The c.6160_6161delGA (p.E2054Kfs*14) alteration, located in exon 8 (coding exon 8) of the ZNF292 gene, consists of a deletion of 2 nucleotides from position 6160 to 6161, causing a translational frameshift with a predicted alternate stop codon after 14 amino acids. This alteration occurs at the 3' terminus of the ZNF292 gene, is not expected to trigger nonsense-mediated mRNA decay, and only impacts the last 24.6% of the protein. However, premature stop codons are typically deleterious in nature, and the impacted region is critical for protein function, and a significant portion of the protein is affected (Ambry internal data). This variant was not reported in population-based cohorts in the Genome Aggregation Database (gnomAD). This variant has been determined to be the result of a de novo mutation in multiple individuals with features consistent with ZNF292-related neurodevelopmental disorder (Mirzaa, 2020; Brea-Fern&aacute;ndez, 2022). Based on the available evidence, this alteration is classified as pathogenic.

Genetics Laboratory, UDIAT-Centre Diagnòstic, Hospital Universitari Parc Tauli
Classification: Pathogenic for Intellectual developmental disorder, autosomal dominant 64. Last evaluated: 2022-10-04. Review status: criteria provided, single submitter. Criteria: Parc Tauli Hospital Assertion Criteria 2021. Collection method: clinical testing. Allele origin: maternal. Inheritance: Autosomal dominant inheritance. Affected: yes.
Comment: PVS1_strong;PM2_supporting;PM1;PS4_supporting;PP1

Dasa
Classification: Pathogenic for Intellectual developmental disorder, autosomal dominant 64. Last evaluated: 2022-01-05. Review status: criteria provided, single submitter. Criteria: ACMG Guidelines, 2015. Collection method: clinical testing. Allele origin: germline. Affected: yes. Observed: 1 variant allele.
Comment: The c.6160_6161del;p.(Glu2054Lysfs*14) is a null frameshift variant (NMD) in the ZNF292 gene and predicts alteration of the nonsense-mediate decay - NMD is present in a relevantexon to the transcript -PVS1_strong.The variant was observed to have arisen de novo (paternity confirmed) in a patient with the disease and no family history (PMID: 31723249) -PS2. This sequence change has been observed in affected individual(s) and ClinVar contains an entry for this variant (ClinVar ID: 981392; OMIM: 616213.0005; PMID: 31723249) - PS4. This variant is not present in population databases (rs1301328139, gnomAD; ABraOM no frequency) - PM2. In summary, the currently available evidence indicates that the variant is pathogenic.

Blueprint Genetics
Classification: Pathogenic for ZNF292-related disorders. Last evaluated: 2021-08-31. Review status: criteria provided, single submitter. Criteria: ACMG Guidelines, 2015. Collection method: clinical testing. Allele origin: de novo. Affected: yes. Observed: 2 variant alleles.

Revvity Omics, Revvity
Classification: Pathogenic for Intellectual developmental disorder, autosomal dominant 64. Last evaluated: 2021-06-29. Review status: criteria provided, single submitter. Criteria: ACMG Guidelines, 2015. Collection method: clinical testing. Allele origin: germline.

Labcorp Genetics (formerly Invitae), Labcorp
Classification: Pathogenic. Last evaluated: 2020-11-18. Review status: criteria provided, single submitter. Criteria: Invitae Variant Classification Sherloc (09022015). Collection method: clinical testing. Allele origin: germline.
Comment: For these reasons, this variant has been classified as Pathogenic. This variant has been observed in individual(s) with a neurodevelopmental disorder (PMID: 31723249). In at least one individual the variant was observed to be de novo. ClinVar contains an entry for this variant (Variation ID: 981392). This variant is not present in population databases (ExAC no frequency). This sequence change creates a premature translational stop signal (p.Glu2054Lysfs*14) in the ZNF292 gene. While this is not anticipated to result in nonsense mediated decay, it is expected to disrupt the last 670 amino acid(s) of the ZNF292 protein.

Diagnostic Laboratory, Strasbourg University Hospital
Classification: Likely pathogenic for Intellectual disability. Last evaluated: 2020-09-10. Review status: criteria provided, single submitter. Criteria: ACMG Guidelines, 2015. Collection method: clinical testing. Allele origin: de novo. Affected: yes. Observed: 1 heterozygote.

Laboratory of Molecular Genetics (Pr. Bezieau's lab), CHU de Nantes
Classification: Pathogenic for Neurodevelopmental disorder. Last evaluated: 2020-02-18. Review status: criteria provided, single submitter. Criteria: ACMG Guidelines, 2015. Collection method: clinical testing. Allele origin: germline. Affected: yes.

Equipe Genetique des Anomalies du Developpement, Université de Bourgogne
Classification: Likely pathogenic for Intellectual developmental disorder, autosomal dominant 64. Last evaluated: 2020-01-27. Review status: criteria provided, single submitter. Criteria: ACMG Guidelines, 2015. Collection method: research. Allele origin: de novo. Affected: yes.

Clinical Genetics Service, Universitary Hospital 12 de Octubre
Classification: Likely pathogenic for Intellectual developmental disorder, autosomal dominant 64. Review status: criteria provided, single submitter. Criteria: ACMG Guidelines, 2015. Collection method: clinical testing. Allele origin: germline. Affected: yes.

OMIM
Classification: Pathogenic for INTELLECTUAL DEVELOPMENTAL DISORDER, AUTOSOMAL DOMINANT 64. Last evaluated: 2021-02-18. Review status: no assertion criteria provided. Collection method: literature only. Allele origin: germline. Not counted in ClinVar's aggregate classification.

University of Washington Center for Mendelian Genomics, University of Washington
Classification: Likely pathogenic for Neurodevelopmental disorder. Review status: no assertion criteria provided. Collection method: research. Allele origin: de novo. Affected: yes. Not counted in ClinVar's aggregate classification.

Literature cited by the submitters: PubMed 31723249 (cited by 6 submitters); PubMed 35322241 (cited by Ambry Genetics).

NM_015021.3(ZNF292):c.6160_6161del (p.Glu2054fs)

Gene: ZNF292 (zinc finger protein 292; plus strand). Cytogenetic location: 6q14.3.
Variant type: Deletion.
Coding change: c.6160_6161del on transcript NM_015021.3 (MANE Select); coding-DNA positions 6160 to 6161, 2 bases deleted (GA; older notation c.6160_6161delGA).
Protein change: p.Glu2054fs; shifts the reading frame from glutamic acid 2054.
Molecular consequence: frameshift variant.
Genome position (GRCh38, 1-based): chr6:87,259,789-87,259,790, GA deleted; deleting any 2 consecutive bases within chr6:87,259,788-87,259,790 gives the same sequence; the c. name uses the placement nearest the transcript's 3' end. VCF-style (leftmost placement, unchanged base first): chr6-87259787-CAG-C. GRCh37 (hg19) VCF-style: chr6-87969505-CAG-C.
Other names: c.6160_6161delGA (NM_015021.1); c.5740_5741del, p.Glu1914fs (NM_001351444.2); short protein forms E1914fs, E2054fs.
Identifiers: ClinVar variation 981392 (VCV000981392.31), dbSNP rs1301328139, ClinGen allele CA645555934.